The following is an entry in ClinVar:

NM_003705.5(SLC25A12):c.1654G>A (p.Ala552Thr)

Gene: SLC25A12 (solute carrier family 25 member 12; minus strand). Cytogenetic location: 2q31.1.
Variant type: single nucleotide variant.
Coding change: c.1654G>A on transcript NM_003705.5 (MANE Select); coding-DNA position 1654, G replaced by A.
Protein change: p.Ala552Thr; replaces alanine 552 with threonine.
Molecular consequence: missense variant. On other transcripts: non-coding transcript variant (1).
Genome position (GRCh38, 1-based): chr2:171,787,879, C>T on the plus strand (G>A on the coding strand, the complement: SLC25A12 is on the minus strand). VCF-style: chr2-171787879-C-T. GRCh37 (hg19) VCF-style: chr2-172644389-C-T.
Other names: p.Ala552Thr; short protein forms A552T.
Identifiers: ClinVar variation 546880 (VCV000546880.59), dbSNP rs142912356, ClinGen allele CA1966058.

ClinVar aggregate classification (germline): Conflicting classifications of pathogenicity. Review status: criteria provided, conflicting classifications (1 of 4 stars). 6 submissions from 6 submitters: Uncertain significance (3); Likely benign (2). 1 of the submissions does not count toward it. Last evaluated 2026-01-12.

Conditions:
Developmental and epileptic encephalopathy, 39 (DEE39). Also called: DEVELOPMENTAL AND EPILEPTIC ENCEPHALOPATHY 39 WITH LEUKODYSTROPHY. Identifiers: Orphanet 353217, MedGen C2751855, MONDO:0013056, OMIM 612949.
SLC25A12-related disorder. Also called: SLC25A12-related condition.

Allele frequency attached by ClinVar (database versions not stated): TOPMed 0.00042; 1000 Genomes Project 30x 0.00047; gnomAD 0.00049 and 0.00056; 1000 Genomes Project 0.00060; gnomAD exomes 0.00063 and 0.00070; ESP Exome Variant Server 0.00038; ExAC 0.00071.
gnomAD v4.1: 999 of 1,614,216 alleles (0.062%); highest among the groups gnomAD compares: South Asian, 0.38%; 9 homozygotes.

Submissions (6):

Labcorp Genetics (formerly Invitae), Labcorp
Classification: Likely benign. Last evaluated: 2026-01-12. Review status: criteria provided, single submitter. Criteria: Invitae Variant Classification Sherloc (09022015). Collection method: clinical testing. Allele origin: germline.

Mayo Clinic Laboratories, Mayo Clinic
Classification: Uncertain significance. Last evaluated: 2022-08-30. Review status: criteria provided, single submitter. Criteria: ACMG Guidelines, 2015. Collection method: clinical testing. Allele origin: germline. Observed: 1 variant allele.
Comment: BS2

CeGaT Center for Human Genetics Tuebingen
Classification: Likely benign. Last evaluated: 2022-06-01. Review status: criteria provided, single submitter. Criteria: CeGaT Center For Human Genetics Tuebingen Variant Classification Criteria Version 2. Collection method: clinical testing. Allele origin: germline. Affected: yes. Observed: 3 variant alleles.
Comment: SLC25A12: BS1:Supporting

Revvity Omics, Revvity
Classification: Uncertain significance for Developmental and epileptic encephalopathy, 39. Last evaluated: 2021-08-11. Review status: criteria provided, single submitter. Criteria: ACMG Guidelines, 2015. Collection method: clinical testing. Allele origin: germline.

Fulgent Genetics
Classification: Uncertain significance for Developmental and epileptic encephalopathy, 39. Last evaluated: 2018-10-31. Review status: criteria provided, single submitter. Criteria: ACMG Guidelines, 2015. Collection method: clinical testing. Allele origin: unknown.

PreventionGenetics, part of Exact Sciences
Classification: Likely benign for SLC25A12-related condition. Last evaluated: 2022-05-10. Review status: no assertion criteria provided. Collection method: clinical testing. Allele origin: germline. Not counted in ClinVar's aggregate classification.
Comment: This variant is classified as likely benign based on ACMG/AMP sequence variant interpretation guidelines (Richards et al. 2015 PMID: 25741868, with internal and published modifications).